The following is an entry in ClinVar:

ClinVar aggregate classification (germline): Uncertain significance. Review status: criteria provided, multiple submitters, no conflicts (2 of 4 stars). 2 submissions from 2 submitters: Uncertain significance (2). Last evaluated 2024-11-08.

Conditions:
Inborn genetic diseases. Identifiers: MedGen C0950123, MeSH D030342.
Syndromic multisystem autoimmune disease due to ITCH deficiency. Also called: AUTOIMMUNE DISEASE, MULTISYSTEM, WITH FACIAL DYSMORPHISM. Identifiers: Orphanet 228426, MedGen C3150649, MONDO:0013245, OMIM 613385.

Allele frequency attached by ClinVar (database versions not stated): gnomAD exomes below 0.00001.
gnomAD v4.1: 2 of 1,613,642 alleles (0.00012%); highest among the groups gnomAD compares: Non-Finnish European, 0.00017%; no homozygotes.

Submissions (2):

Ambry Genetics
Classification: Uncertain significance for Inborn genetic diseases. Last evaluated: 2024-11-08. Review status: criteria provided, single submitter. Criteria: Ambry Variant Classification Scheme 2023. Collection method: clinical testing. Allele origin: germline.

Labcorp Genetics (formerly Invitae), Labcorp
Classification: Uncertain significance for Syndromic multisystem autoimmune disease due to ITCH deficiency. Last evaluated: 2020-06-26. Review status: criteria provided, single submitter. Criteria: Invitae Variant Classification Sherloc (09022015). Collection method: clinical testing. Allele origin: germline.
Comment: In summary, the available evidence is currently insufficient to determine the role of this variant in disease. Therefore, it has been classified as a Variant of Uncertain Significance. Algorithms developed to predict the effect of missense changes on protein structure and function are either unavailable or do not agree on the potential impact of this missense change (SIFT: "Not Available"; PolyPhen-2: "Probably Damaging"; Align-GVGD: "Not Available"). This variant has not been reported in the literature in individuals with ITCH-related conditions. This variant is not present in population databases (ExAC no frequency). This sequence change replaces asparagine with serine at codon 410 of the ITCH protein (p.Asn410Ser). The asparagine residue is highly conserved and there is a small physicochemical difference between asparagine and serine.

NM_031483.7(ITCH):c.1229A>G (p.Asn410Ser)

Gene: ITCH (itchy E3 ubiquitin protein ligase; plus strand). Cytogenetic location: 20q11.22.
Variant type: single nucleotide variant.
Coding change: c.1229A>G on transcript NM_031483.7 (MANE Select); coding-DNA position 1229, A replaced by G.
Protein change: p.Asn410Ser; replaces asparagine 410 with serine.
Molecular consequence: missense variant.
Genome position (GRCh38, 1-based): chr20:34,457,408, A>G. VCF-style: chr20-34457408-A-G. GRCh37 (hg19) VCF-style: chr20-33045213-A-G.
Other names: c.1352A>G, p.Asn451Ser (NM_001257137.3, NM_001324197.2); c.899A>G, p.Asn300Ser (NM_001257138.3); c.1229A>G, p.Asn410Ser (NM_001324198.2); c.1229A>G (NM_031483.4); short protein forms N300S, N410S, N451S.
Identifiers: ClinVar variation 1001349 (VCV001001349.7), dbSNP rs1986108865, ClinGen allele CA408665669.